The following is an entry in ClinVar:

ClinVar aggregate classification (germline): Uncertain significance (1 of 4 stars; one submission).

Conditions:
RASopathy. Also called: Noonan spectrum disorder; rasopathies. Identifiers: Orphanet 536391, MedGen C5555857, MONDO:0021060.

Submission:

Labcorp Genetics (formerly Invitae), Labcorp
Classification: Uncertain significance for RASopathy. Last evaluated: 2024-06-04. Review status: criteria provided, single submitter. Criteria: Invitae Variant Classification Sherloc (09022015). Collection method: clinical testing. Allele origin: germline.
Comment: This sequence change replaces isoleucine, which is neutral and non-polar, with asparagine, which is neutral and polar, at codon 52 of the SOS1 protein (p.Ile52Asn). This variant is not present in population databases (gnomAD no frequency). This variant has not been reported in the literature in individuals affected with SOS1-related conditions. Advanced modeling of protein sequence and biophysical properties (such as structural, functional, and spatial information, amino acid conservation, physicochemical variation, residue mobility, and thermodynamic stability) performed at Invitae indicates that this missense variant is expected to disrupt SOS1 protein function with a positive predictive value of 95%. In summary, the available evidence is currently insufficient to determine the role of this variant in disease. Therefore, it has been classified as a Variant of Uncertain Significance.

NM_005633.4(SOS1):c.155T>A (p.Ile52Asn)

Gene: SOS1 (SOS Ras/Rac guanine nucleotide exchange factor 1; minus strand). Cytogenetic location: 2p22.1.
Variant type: single nucleotide variant.
Coding change: c.155T>A on transcript NM_005633.4 (MANE Select); coding-DNA position 155, T replaced by A.
Protein change: p.Ile52Asn; replaces isoleucine 52 with asparagine.
Molecular consequence: missense variant.
Genome position (GRCh38, 1-based): chr2:39,067,686, A>T on the plus strand (T>A on the coding strand, the complement: SOS1 is on the minus strand). VCF-style: chr2-39067686-A-T. GRCh37 (hg19) VCF-style: chr2-39294827-A-T.
Other names: c.134T>A, p.Ile45Asn (NM_001382394.1); c.155T>A, p.Ile52Asn (NM_001382395.1); short protein forms I52N, I45N.
Identifiers: ClinVar variation 3678343 (VCV003678343.2).
Genomic context (GRCh38, chr2:39,067,686, plus strand): 5'-ACCTCTACATCTGAAGCACTTCGGGGCTGAGCTTGGCATAGCATATTTAATAATTGCAAA[A>T]TTAATTCTTCAACATACTGAAGAGCATCATCATTAGACTCGAGAGTAGGATGAACTTGCC-3'
Protein context (NP_005624.2, residues 42-62): DDALQYVEEL[Ile52Asn]LQLLNMLCQA